The following is an entry in ClinVar:

ClinVar aggregate classification (germline): Conflicting classifications of pathogenicity. Review status: criteria provided, conflicting classifications (1 of 4 stars). 6 submissions from 6 submitters: Uncertain significance (5); Benign (1). Last evaluated 2025-05-13.

Conditions:
Familial isolated arrhythmogenic right ventricular dysplasia. Identifiers: Orphanet 217656, MedGen C4274968, MONDO:0016342.
Arrhythmogenic right ventricular dysplasia 11. Also called: Arrhythmogenic right ventricular dysplasia 11 with mild palmoplantar keratoderma and woolly hair; Arrhythmogenic Right Ventricular Dysplasia/Cardiomyopathy11; ARRHYTHMOGENIC RIGHT VENTRICULAR DYSPLASIA, FAMILIAL, 11. Identifiers: MedGen C1864850, MONDO:0012506, OMIM 610476.
Cardiovascular phenotype. Identifiers: MedGen CN230736.
Cardiomyopathy (CMYO). Also called: Cardiomyopathies. Identifiers: Orphanet 167848, MedGen C0878544, MONDO:0004994, HP:0001638. Inheritance: Various modes of inheritance.

Allele frequency attached by ClinVar (database versions not stated): gnomAD exomes 0.00002 and 0.00004; TOPMed 0.00002; ExAC 0.00003; gnomAD 0.00001 and 0.00002.
gnomAD v4.1: 56 of 1,613,716 alleles (0.0035%); highest among the groups gnomAD compares: Non-Finnish European, 0.0044%; no homozygotes.

Submissions (6):

Color Diagnostics, LLC DBA Color Health
Classification: Uncertain significance for Cardiomyopathy. Last evaluated: 2025-05-13. Review status: criteria provided, single submitter. Criteria: ACMG Guidelines, 2015. Collection method: clinical testing. Allele origin: germline.
Comment: This missense variant replaces lysine with asparagine at codon 121 of the DSC2 protein. Computational prediction suggests that this variant may not impact protein structure and function. To our knowledge, functional studies have not been reported for this variant. This variant has been reported in an individual affected with left ventricular noncompaction (PMID: 31568572). This variant has been identified in 5/250950 chromosomes in the general population by the Genome Aggregation Database (gnomAD). The available evidence is insufficient to determine the role of this variant in disease conclusively. Therefore, this variant is classified as a Variant of Uncertain Significance.

Molecular Diagnostic Laboratory for Inherited Cardiovascular Disease, Montreal Heart Institute
Classification: Uncertain significance for Cardiovascular phenotype. Last evaluated: 2025-04-09. Review status: criteria provided, single submitter. Criteria: ACMG Guidelines, 2015. Collection method: clinical testing. Allele origin: germline. Affected: yes.
Comment: PM2;BP4

Labcorp Genetics (formerly Invitae), Labcorp
Classification: Uncertain significance for Arrhythmogenic right ventricular dysplasia 11. Last evaluated: 2025-04-06. Review status: criteria provided, single submitter. Criteria: Invitae Variant Classification Sherloc (09022015). Collection method: clinical testing. Allele origin: germline.
Comment: This sequence change replaces lysine, which is basic and polar, with asparagine, which is neutral and polar, at codon 121 of the DSC2 protein (p.Lys121Asn). This variant is present in population databases (rs762877422, gnomAD 0.003%). This variant has not been reported in the literature in individuals affected with DSC2-related conditions. ClinVar contains an entry for this variant (Variation ID: 566659). Invitae Evidence Modeling of protein sequence and biophysical properties (such as structural, functional, and spatial information, amino acid conservation, physicochemical variation, residue mobility, and thermodynamic stability) indicates that this missense variant is not expected to disrupt DSC2 protein function with a negative predictive value of 80%. Algorithms developed to predict the effect of sequence changes on RNA splicing suggest that this variant may disrupt the consensus splice site. In summary, the available evidence is currently insufficient to determine the role of this variant in disease. Therefore, it has been classified as a Variant of Uncertain Significance.

Ambry Genetics
Classification: Benign for Cardiovascular phenotype. Last evaluated: 2024-12-11. Review status: criteria provided, single submitter. Criteria: Ambry Variant Classification Scheme 2023. Collection method: clinical testing. Allele origin: germline.

GeneDx
Classification: Uncertain significance. Last evaluated: 2024-11-26. Review status: criteria provided, single submitter. Criteria: GeneDx Variant Classification Process June 2021. Collection method: clinical testing. Allele origin: germline. Affected: yes.
Comment: Has not been previously published as pathogenic or benign to our knowledge; Not observed at significant frequency in large population cohorts (gnomAD); In silico analysis supports that this missense variant does not alter protein structure/function; In-silico analysis is inconclusive as to whether the variant alters gene splicing. In the absence of RNA/functional studies, the actual effect of this sequence change is unknown.

All of Us Research Program, National Institutes of Health
Classification: Uncertain significance for Familial isolated arrhythmogenic right ventricular dysplasia. Last evaluated: 2024-02-05. Review status: criteria provided, single submitter. Criteria: ACMG Guidelines, 2015. Collection method: clinical testing. Allele origin: germline. Inheritance: Autosomal dominant inheritance. Observed: 8 variant alleles, 8 heterozygotes.
Comment: Variant of Uncertain Significance due to insufficient evidence: This missense variant replaces lysine with asparagine at codon 121 of the DSC2 protein. Computational prediction tools and conservation analyses suggest that this variant may not impact the protein function. Computational splicing tools suggest that this variant may not impact RNA splicing. To our knowledge, functional assays have not been performed for this variant nor has this variant been reported in individuals affected with cardiovascular disorders in the literature. This variant has been identified in 5/250950 chromosomes in the general population by the Genome Aggregation Database (gnomAD). Available evidence is insufficient to determine the role of this variant in disease conclusively.

This study involves interpretation of variants in research participants for the purpose of population health screening. Participant phenotype was not available at the time of variant classification. Additional details can be found in publication PMID: 35346344, PMCID: PMC8962531

Literature cited by the submitters: PubMed 31568572 (cited by Color Diagnostics, LLC DBA Color Health).

NM_024422.6(DSC2):c.363G>T (p.Lys121Asn)

Gene: DSC2 (desmocollin 2; minus strand). Cytogenetic location: 18q12.1.
Variant type: single nucleotide variant.
Coding change: c.363G>T on transcript NM_024422.6 (MANE Select); coding-DNA position 363, G replaced by T.
Protein change: p.Lys121Asn; replaces lysine 121 with asparagine.
Molecular consequence: missense variant.
Genome position (GRCh38, 1-based): chr18:31,091,139, C>A on the plus strand (G>T on the coding strand, the complement: DSC2 is on the minus strand). VCF-style: chr18-31091139-C-A. GRCh37 (hg19) VCF-style: chr18-28671102-C-A.
Other names: c.363G>T, p.Lys121Asn (NM_004949.5); short protein forms K121N.
Identifiers: ClinVar variation 566659 (VCV000566659.17), dbSNP rs762877422, ClinGen allele CA038185.